The following is an entry in ClinVar:

ClinVar aggregate classification (germline): Uncertain significance. Review status: criteria provided, multiple submitters, no conflicts (2 of 4 stars). 3 submissions from 3 submitters: Uncertain significance (3). Last evaluated 2026-01-15.

Conditions:
Usher syndrome type 1 (USH1). Also called: RETINITIS PIGMENTOSA AND CONGENITAL DEAFNESS. Identifiers: Orphanet 231169, Orphanet 886, MedGen C1568247, MONDO:0010168, OMIM 276900.

Allele frequency attached by ClinVar (database versions not stated): gnomAD below 0.00001 and 0.00002; TOPMed 0.00001; ExAC 0.00004.
gnomAD v4.1: 34 of 1,613,798 alleles (0.0021%); highest among the groups gnomAD compares: South Asian, 0.037%; no homozygotes.

Submissions (3):

Labcorp Genetics (formerly Invitae), Labcorp
Classification: Uncertain significance. Last evaluated: 2026-01-15. Review status: criteria provided, single submitter. Criteria: Invitae Variant Classification Sherloc (09022015). Collection method: clinical testing. Allele origin: germline.
Comment: This sequence change replaces alanine, which is neutral and non-polar, with valine, which is neutral and non-polar, at codon 284 of the PCDH15 protein (p.Ala284Val). This variant is present in population databases (rs777071595, gnomAD 0.03%). This variant has not been reported in the literature in individuals affected with PCDH15-related conditions. ClinVar contains an entry for this variant (Variation ID: 300199). Invitae Evidence Modeling of protein sequence and biophysical properties (such as structural, functional, and spatial information, amino acid conservation, physicochemical variation, residue mobility, and thermodynamic stability) indicates that this missense variant is not expected to disrupt PCDH15 protein function with a negative predictive value of 95%. In summary, the available evidence is currently insufficient to determine the role of this variant in disease. Therefore, it has been classified as a Variant of Uncertain Significance.

Blueprint Genetics
Classification: Uncertain significance. Last evaluated: 2022-04-25. Review status: criteria provided, single submitter. Criteria: ACMG Guidelines, 2015. Collection method: clinical testing. Allele origin: germline.

Illumina Laboratory Services, Illumina
Classification: Uncertain significance for Usher syndrome type 1. Last evaluated: 2018-01-12. Review status: criteria provided, single submitter. Criteria: ICSL Variant Classification Criteria 13 December 2019. Collection method: clinical testing. Allele origin: germline.

NM_001384140.1(PCDH15):c.851C>T (p.Ala284Val)

Gene: PCDH15 (protocadherin related 15; minus strand). Cytogenetic location: 10q21.1.
Variant type: single nucleotide variant.
Coding change: c.851C>T on transcript NM_001384140.1 (MANE Select); coding-DNA position 851, C replaced by T.
Protein change: p.Ala284Val; replaces alanine 284 with valine.
Molecular consequence: missense variant.
Genome position (GRCh38, 1-based): chr10:54,317,296, G>A on the plus strand (C>T on the coding strand, the complement: PCDH15 is on the minus strand). VCF-style: chr10-54317296-G-A. GRCh37 (hg19) VCF-style: chr10-56077056-G-A.
Other names: c.866C>T, p.Ala289Val (NM_001142763.2, NM_001142769.4, NM_001142771.2); c.851C>T, p.Ala284Val (NM_001142764.2, NM_001142765.2, NM_001142766.2 and 7 more transcripts); c.740C>T, p.Ala247Val (NM_001142767.2); c.785C>T, p.Ala262Val (NM_001142768.2, NM_001142773.2, NM_001354404.2); short protein forms A284V, A262V, A247V, A289V.
Identifiers: ClinVar variation 300199 (VCV000300199.7), dbSNP rs777071595, ClinGen allele CA5506579.